The following is an entry in ClinVar:

NM_012064.4(MIP):c.606+1G>T

Gene: MIP (major intrinsic protein of lens fiber; minus strand). Cytogenetic location: 12q13.3.
Variant type: single nucleotide variant.
Coding change: c.606+1G>T on transcript NM_012064.4 (MANE Select); the canonical splice donor site of the intron after coding-DNA position 606, G replaced by T.
Molecular consequence: splice donor variant.
Genome position (GRCh38, 1-based): chr12:56,453,071, C>A on the plus strand (G>T on the coding strand, the complement: MIP is on the minus strand). VCF-style: chr12-56453071-C-A. GRCh37 (hg19) VCF-style: chr12-56846855-C-A.
Identifiers: ClinVar variation 2722298 (VCV002722298.3), dbSNP rs1220143491, ClinGen allele CA385270294.

ClinVar aggregate classification (germline): Pathogenic (1 of 4 stars; one submission).

Conditions:
Cataract 15 multiple types. Also called: CATARACT 15, LAMELLAR WITH SUTURAL OPACITIES. Identifiers: Orphanet 91492, MedGen C3809001, MONDO:0014110, OMIM 615274.

Submission:

Labcorp Genetics (formerly Invitae), Labcorp
Classification: Pathogenic for Cataract 15 multiple types. Last evaluated: 2023-06-27. Review status: criteria provided, single submitter. Criteria: Invitae Variant Classification Sherloc (09022015). Collection method: clinical testing. Allele origin: germline.
Comment: Variants that disrupt the consensus splice site are a relatively common cause of aberrant splicing (PMID: 17576681, 9536098). Algorithms developed to predict the effect of sequence changes on RNA splicing suggest that this variant may disrupt the consensus splice site. Disruption of this splice site has been observed in individuals with congenital cataracts (PMID: 24319327; Invitae). It has also been observed to segregate with disease in related individuals. This variant is not present in population databases (gnomAD no frequency). This sequence change affects a donor splice site in intron 3 of the MIP gene. While this variant is not anticipated to result in nonsense mediated decay, it likely alters RNA splicing and results in a disrupted protein product. For these reasons, this variant has been classified as Pathogenic.

Literature cited by the submitters: PubMed 17576681; PubMed 9536098; PubMed 24319327.